The following is an entry in ClinVar:

NM_012254.3(SLC27A5):c.169G>T (p.Gly57Cys)

Gene: SLC27A5 (solute carrier family 27 member 5; minus strand). Cytogenetic location: 19q13.43.
Variant type: single nucleotide variant.
Coding change: c.169G>T on transcript NM_012254.3 (MANE Select); coding-DNA position 169, G replaced by T.
Protein change: p.Gly57Cys; replaces glycine 57 with cysteine.
Molecular consequence: missense variant.
Genome position (GRCh38, 1-based): chr19:58,511,787, C>A on the plus strand (G>T on the coding strand, the complement: SLC27A5 is on the minus strand). VCF-style: chr19-58511787-C-A. GRCh37 (hg19) VCF-style: chr19-59023154-C-A.
Other names: c.169G>T, p.Gly57Cys (NM_001321196.2); short protein forms G57C.
Identifiers: ClinVar variation 4998488 (VCV004998488.1).

ClinVar aggregate classification (germline): Uncertain significance (1 of 4 stars; one submission).

Conditions:
SLC27A5-related disorder. Also called: SLC27A5-related condition.

Submission:

PreventionGenetics, part of Exact Sciences
Classification: Uncertain significance for SLC27A5-related condition. Last evaluated: 2025-05-21. Review status: criteria provided, single submitter. Criteria: ACMG Guidelines, 2015. Collection method: clinical testing. Allele origin: germline.
Comment: The SLC27A5 c.169G>T variant is predicted to result in the amino acid substitution p.Gly57Cys. To our knowledge, this variant has not been reported in the literature or in a large population database (gnomAD), indicating this variant is rare. At this time, the clinical significance of this variant is uncertain due to the absence of conclusive functional and genetic evidence.